The following is an entry in ClinVar:

ClinVar aggregate classification (germline): Likely pathogenic (1 of 4 stars; one submission).

Submission:

Labcorp Genetics (formerly Invitae), Labcorp
Classification: Likely pathogenic. Last evaluated: 2022-03-27. Review status: criteria provided, single submitter. Criteria: Invitae Variant Classification Sherloc (09022015). Collection method: clinical testing. Allele origin: germline.
Comment: This sequence change affects an acceptor splice site in intron 12 of the ABCB4 gene. It is expected to disrupt RNA splicing. Variants that disrupt the donor or acceptor splice site typically lead to a loss of protein function (PMID: 16199547), and loss-of-function variants in ABCB4 are known to be pathogenic (PMID: 17726488, 25755532). This variant is not present in population databases (gnomAD no frequency). This variant has not been reported in the literature in individuals affected with ABCB4-related conditions. Algorithms developed to predict the effect of sequence changes on RNA splicing suggest that this variant may disrupt the consensus splice site. In summary, the currently available evidence indicates that the variant is pathogenic, but additional data are needed to prove that conclusively. Therefore, this variant has been classified as Likely Pathogenic.

Literature cited by the submitters: PubMed 16199547; PubMed 17726488; PubMed 25755532.

NM_000443.4(ABCB4):c.1357-1G>A

Gene: ABCB4 (ATP binding cassette subfamily B member 4; minus strand). Cytogenetic location: 7q21.12.
Variant type: single nucleotide variant.
Coding change: c.1357-1G>A on transcript NM_000443.4 (MANE Select); the canonical splice acceptor site of the intron before coding-DNA position 1357, G replaced by A.
Molecular consequence: splice acceptor variant.
Genome position (GRCh38, 1-based): chr7:87,440,403, C>T on the plus strand (G>A on the coding strand, the complement: ABCB4 is on the minus strand). VCF-style: chr7-87440403-C-T. GRCh37 (hg19) VCF-style: chr7-87069719-C-T.
Other names: c.1357-1G>A (NM_018850.3, NM_018849.3).
Identifiers: ClinVar variation 2117898 (VCV002117898.4), dbSNP rs2546830192, ClinGen allele CA368043080.